The following is an entry in ClinVar:

ClinVar aggregate classification (germline): Pathogenic (1 of 4 stars; one submission).

Allele frequency attached by ClinVar (database versions not stated): gnomAD 0.00001; TOPMed 0.00001.

Submission:

Labcorp Genetics (formerly Invitae), Labcorp
Classification: Pathogenic. Last evaluated: 2023-07-21. Review status: criteria provided, single submitter. Criteria: Invitae Variant Classification Sherloc (09022015). Collection method: clinical testing. Allele origin: germline.
Comment: This variant is not present in population databases (gnomAD no frequency). This variant has not been reported in the literature in individuals affected with IMPG1-related conditions. ClinVar contains an entry for this variant (Variation ID: 2128469). For these reasons, this variant has been classified as Pathogenic. This sequence change creates a premature translational stop signal (p.Asp203Thrfs*41) in the IMPG1 gene. It is expected to result in an absent or disrupted protein product. Loss-of-function variants in IMPG1 are known to be pathogenic (PMID: 23993198).

Literature cited by the submitters: PubMed 23993198.

NM_001563.4(IMPG1):c.607del (p.Asp203fs)

Gene: IMPG1 (interphotoreceptor matrix proteoglycan 1; minus strand). Cytogenetic location: 6q14.1.
Variant type: Deletion.
Coding change: c.607del on transcript NM_001563.4 (MANE Select); coding-DNA position 607, one base deleted (G; older notation c.607delG).
Protein change: p.Asp203fs; shifts the reading frame from aspartic acid 203.
Molecular consequence: frameshift variant.
Genome position (GRCh38, 1-based): chr6:76,022,175, C deleted on the plus strand (G on the coding strand, the reverse complement: IMPG1 is on the minus strand). VCF-style (leftmost placement, unchanged base first): chr6-76022174-TC-T. GRCh37 (hg19) VCF-style: chr6-76731891-TC-T.
Other names: c.373del, p.Asp125fs (NM_001282368.2); short protein forms D125fs, D203fs.
Identifiers: ClinVar variation 2128469 (VCV002128469.4), dbSNP rs1783443333, ClinGen allele CA1090691798.